The following is an entry in ClinVar:

ClinVar aggregate classification (germline): Pathogenic (1 of 4 stars; one submission).

Conditions:
Warts, hypogammaglobulinemia, infections, and myelokathexis. Also called: WHIM syndrome. Identifiers: MedGen C0472817, MONDO:0023880.

Submission:

Labcorp Genetics (formerly Invitae), Labcorp
Classification: Pathogenic for Warts, hypogammaglobulinemia, infections, and myelokathexis. Last evaluated: 2023-09-15. Review status: criteria provided, single submitter. Criteria: Invitae Variant Classification Sherloc (09022015). Collection method: clinical testing. Allele origin: germline.
Comment: This sequence change results in a frameshift in the CXCR4 gene (p.Ser339Leufs*27). While this is not anticipated to result in nonsense mediated decay, it is expected to disrupt the last 14 amino acid(s) of the CXCR4 protein and extend the protein by 12 additional amino acid residues. This variant is not present in population databases (gnomAD no frequency). This variant has not been reported in the literature in individuals affected with CXCR4-related conditions. ClinVar contains an entry for this variant (Variation ID: 1393639). Algorithms developed to predict the effect of variants on protein structure and function are not available or were not evaluated for this variant. Experimental studies have shown that this frameshift affects CXCR4 function (external communication). This variant is located in a region of the CXCR4 protein where a significant number of CXCR4 nonsense and frameshift mutations have been reported in association with autosomal dominant WHIM syndrome (PMID: 31313072, 32784523, 35947323, 36089616). For these reasons, this variant has been classified as Pathogenic.

Literature cited by the submitters: PubMed 31313072; PubMed 32784523; PubMed 35947323; PubMed 36089616.

NM_003467.3(CXCR4):c.1014del (p.Ser339fs)

Gene: CXCR4 (C-X-C motif chemokine receptor 4; minus strand). Cytogenetic location: 2q22.1.
Variant type: Deletion.
Coding change: c.1014del on transcript NM_003467.3 (MANE Select); coding-DNA position 1014, one base deleted (A; older notation c.1014delA).
Protein change: p.Ser339fs; shifts the reading frame from serine 339.
Molecular consequence: frameshift variant.
Genome position (GRCh38, 1-based): chr2:136,114,914, T deleted on the plus strand (A on the coding strand, the reverse complement: CXCR4 is on the minus strand). VCF-style (leftmost placement, unchanged base first): chr2-136114913-AT-A. GRCh37 (hg19) VCF-style: chr2-136872483-AT-A.
Other names: c.1026del, p.Ser343fs (NM_001008540.2); c.1227del, p.Ser410fs (NM_001348056.2); c.1113del, p.Ser372fs (NM_001348059.2); c.969del, p.Ser324fs (NM_001348060.2); short protein forms S339fs, S324fs, S343fs, S410fs, S372fs.
Identifiers: ClinVar variation 1393639 (VCV001393639.6), dbSNP rs2104915548, ClinGen allele CA2573133308.